The following is an entry in ClinVar:

NM_000455.5(STK11):c.519G>A (p.Val173=)

Gene: STK11 (serine/threonine kinase 11; plus strand). Cytogenetic location: 19p13.3.
Variant type: single nucleotide variant.
Coding change: c.519G>A on transcript NM_000455.5 (MANE Select); coding-DNA position 519, G replaced by A.
Protein change: p.Val173=; no amino-acid change (valine 173 retained).
Molecular consequence: synonymous variant. On other transcripts: non-coding transcript variant (1).
Genome position (GRCh38, 1-based): chr19:1,220,427, G>A. VCF-style: chr19-1220427-G-A. GRCh37 (hg19) VCF-style: chr19-1220426-G-A.
Other names: c.519G>A, p.Val173= (NM_001407255.1).
Identifiers: ClinVar variation 3231748 (VCV003231748.4), dbSNP rs2145424320, ClinGen allele CA089415.

ClinVar aggregate classification (germline): Benign/Likely benign. Review status: criteria provided, multiple submitters, no conflicts (2 of 4 stars). 3 submissions from 3 submitters: Benign (1); Likely benign (2). Last evaluated 2025-03-26.

Conditions:
Hereditary cancer-predisposing syndrome. Also called: Hereditary Cancer Syndrome; Tumor predisposition; Neoplastic Syndromes, Hereditary; Hereditary neoplastic syndrome. Identifiers: Orphanet 140162, MedGen C0027672, MeSH D009386, MONDO:0015356.
Peutz-Jeghers syndrome (PJS). Also called: POLYPOSIS, HAMARTOMATOUS INTESTINAL; POLYPS-AND-SPOTS SYNDROME; Peutz-Jeghers polyposis; Periorificial lentiginosis syndrome. Identifiers: Orphanet 2869, MedGen C0031269, MeSH D010580, MONDO:0008280, OMIM 175200.

Allele frequency attached by ClinVar (database versions not stated): gnomAD exomes below 0.00001.
gnomAD v4.1: 1 of 1,606,600 alleles (0.000062%); highest among the groups gnomAD compares: Non-Finnish European, 0.000085%; no homozygotes.

Submissions (3):

Myriad Genetics, Inc.
Classification: Benign for Peutz-Jeghers syndrome. Last evaluated: 2025-03-26. Review status: criteria provided, single submitter. Criteria: Myriad Autosomal Dominant, Autosomal Recessive and X-Linked Classification Criteria (2023). Collection method: clinical testing. Allele origin: unknown.
Comment: This variant is considered benign. This variant is a silent/synonymous amino acid change and it is not expected to impact splicing.

Labcorp Genetics (formerly Invitae), Labcorp
Classification: Likely benign for Peutz-Jeghers syndrome. Last evaluated: 2024-03-01. Review status: criteria provided, single submitter. Criteria: Invitae Variant Classification Sherloc (09022015). Collection method: clinical testing. Allele origin: germline.

Ambry Genetics
Classification: Likely benign for Hereditary cancer-predisposing syndrome. Last evaluated: 2023-11-22. Review status: criteria provided, single submitter. Criteria: Ambry Variant Classification Scheme 2023. Collection method: clinical testing. Allele origin: germline.